The following is an entry in ClinVar:

NM_001379500.1(COL18A1):c.902A>T (p.Glu301Val)

Gene: COL18A1 (collagen type XVIII alpha 1 chain; plus strand). Cytogenetic location: 21q22.3.
Variant type: single nucleotide variant.
Coding change: c.902A>T on transcript NM_001379500.1 (MANE Select); coding-DNA position 902, A replaced by T.
Protein change: p.Glu301Val; replaces glutamic acid 301 with valine.
Molecular consequence: missense variant.
Genome position (GRCh38, 1-based): chr21:45,476,454, A>T. VCF-style: chr21-45476454-A-T. GRCh37 (hg19) VCF-style: chr21-46896368-A-T.
Other names: c.1442A>T, p.Glu481Val (NM_030582.4); c.2147A>T, p.Glu716Val (NM_130444.3); short protein forms E301V, E481V, E716V.
Identifiers: ClinVar variation 4990714 (VCV004990714.1).

ClinVar aggregate classification (germline): Uncertain significance (1 of 4 stars; one submission).

Conditions:
COL18A1-related disorder. Also called: COL18A1-related condition; COL18A1-related disorders.

gnomAD v4.1: 4 of 1,613,158 alleles (0.00025%); highest among the groups gnomAD compares: African/African-American, 0.0053%; no homozygotes.

Submission:

PreventionGenetics, part of Exact Sciences
Classification: Uncertain significance for COL18A1-related condition. Last evaluated: 2025-12-10. Review status: criteria provided, single submitter. Criteria: ACMG Guidelines, 2015. Collection method: clinical testing. Allele origin: germline.
Comment: The COL18A1 c.1442A>T variant is predicted to result in the amino acid substitution p.Glu481Val. To our knowledge, this variant has not been reported in the literature. This variant is reported in 0.023% of alleles in individuals of African descent in gnomAD. At this time, the clinical significance of this variant is uncertain due to the absence of conclusive functional and genetic evidence.